The following is an entry in ClinVar:

NM_012123.4(MTO1):c.1822del (p.Leu608fs)

Gene: MTO1 (mitochondrial tRNA translation optimization 1; plus strand). Cytogenetic location: 6q13.
Variant type: Deletion.
Coding change: c.1822del on transcript NM_012123.4 (MANE Select); coding-DNA position 1822, one base deleted (C; older notation c.1822delC).
Protein change: p.Leu608fs; shifts the reading frame from leucine 608.
Molecular consequence: frameshift variant.
Genome position (GRCh38, 1-based): chr6:73,497,801, C deleted. VCF-style (leftmost placement, unchanged base first): chr6-73497800-TC-T. GRCh37 (hg19) VCF-style: chr6-74207523-TC-T.
Other names: c.1942del, p.Leu648fs (NM_001123226.2); c.1897del, p.Leu633fs (NM_133645.3); short protein forms L608fs, L648fs, L633fs.
Identifiers: ClinVar variation 574880 (VCV000574880.6), dbSNP rs1561954433, ClinGen allele CA891843389.

ClinVar aggregate classification (germline): Pathogenic (1 of 4 stars; one submission).

Conditions:
Mitochondrial hypertrophic cardiomyopathy with lactic acidosis due to MTO1 deficiency. Also called: CARDIOMYOPATHY, INFANTILE HYPERTROPHIC MITOCHONDRIAL, AND LACTIC ACIDOSIS; Combined oxidative phosphorylation deficiency 10. Identifiers: Orphanet 314637, MedGen C4749921, MONDO:0013865, OMIM 614702.

Submission:

Labcorp Genetics (formerly Invitae), Labcorp
Classification: Pathogenic for Mitochondrial hypertrophic cardiomyopathy with lactic acidosis due to MTO1 deficiency. Last evaluated: 2017-10-19. Review status: criteria provided, single submitter. Criteria: Invitae Variant Classification Sherloc (09022015). Collection method: clinical testing. Allele origin: germline.
Comment: This variant has not been reported in the literature in individuals with MTO1-related disease. For these reasons, this variant has been classified as Pathogenic. Loss-of-function variants in MTO1 are known to be pathogenic (PMID: 22608499, 25058219). This variant is not present in population databases (ExAC no frequency). This sequence change creates a premature translational stop signal (p.Leu608Serfs*7) in the MTO1 gene. It is expected to result in an absent or disrupted protein product.

Literature cited by the submitters: PubMed 22608499; PubMed 25058219.